The following is an entry in ClinVar:

NM_000371.4(TTR):c.-5G>A

Gene: TTR (transthyretin; plus strand). Cytogenetic location: 18q12.1.
Variant type: single nucleotide variant.
Coding change: c.-5G>A on transcript NM_000371.4 (MANE Select); 5 bases upstream of the start codon, G replaced by A.
Molecular consequence: 5 prime UTR variant.
Genome position (GRCh38, 1-based): chr18:31,591,898, G>A. VCF-style: chr18-31591898-G-A. GRCh37 (hg19) VCF-style: chr18-29171861-G-A.
Identifiers: ClinVar variation 3464276 (VCV003464276.1).
Genomic context (GRCh38, chr18:31,591,898, plus strand): 5'-AGAAGTGAGTATAAAAGCCCCAGGCTGGGAGCAGCCATCACAGAAGTCCACTCATTCTTG[G>A]CAGGATGGCTTCTCATCGTCTGCTCCTCCTCTGCCTTGCTGGACTGGTATTTGTGTCTGA-3'

ClinVar aggregate classification (germline): Uncertain significance (1 of 4 stars; one submission).

Conditions:
Cardiovascular phenotype. Identifiers: MedGen CN230736.

Submission:

Ambry Genetics
Classification: Uncertain significance for Cardiovascular phenotype. Last evaluated: 2024-11-20. Review status: criteria provided, single submitter. Criteria: Ambry Variant Classification Scheme 2023. Collection method: clinical testing. Allele origin: germline.
Comment: The c.-5G>A variant is located in the 5' untranslated region (5&rsquo; UTR) of the TTR gene. This variant results from a G to A substitution 5 nucleotides upstream from the first translated codon. This nucleotide position is not well conserved in available vertebrate species. Based on the available evidence, the clinical significance of this variant remains unclear.